The following is an entry in ClinVar:

NM_000260.4(MYO7A):c.3583G>A (p.Val1195Met)

Gene: MYO7A (myosin VIIA; plus strand). Cytogenetic location: 11q13.5.
Variant type: single nucleotide variant.
Coding change: c.3583G>A on transcript NM_000260.4 (MANE Select); coding-DNA position 3583, G replaced by A.
Protein change: p.Val1195Met; replaces valine 1195 with methionine.
Molecular consequence: missense variant.
Genome position (GRCh38, 1-based): chr11:77,189,423, G>A. VCF-style: chr11-77189423-G-A. GRCh37 (hg19) VCF-style: chr11-76900468-G-A.
Other names: c.3583G>A, p.Val1195Met (NM_001127180.2); c.3550G>A, p.Val1184Met (NM_001369365.1); short protein forms V1195M, V1184M.
Identifiers: ClinVar variation 505713 (VCV000505713.10), dbSNP rs781958107, ClinGen allele CA6198119.
Genomic context (GRCh38, chr11:77,189,423, plus strand): 5'-ATCAGCAAGCAGCTGACCCACAACCCCTCCAAGAGCAGCTATGCCCGGGGCTGGATTCTC[G>A]TGTCTCTCTGCGTGGGCTGTTTCGCCCCCTCCGAGAAGTTTGTCAAGGTAGGAAGGTGCC-3'
Protein context (NP_000251.3, residues 1185-1205): KSSYARGWIL[Val1195Met]SLCVGCFAPS

ClinVar aggregate classification (germline): Conflicting classifications of pathogenicity. Review status: criteria provided, conflicting classifications (1 of 4 stars). 4 submissions from 4 submitters: Uncertain significance (3); Likely benign (1). Last evaluated 2025-05-20.

Conditions:
Inborn genetic diseases. Identifiers: MedGen C0950123, MeSH D030342.

Allele frequency attached by ClinVar (database versions not stated): ExAC 0.00002; gnomAD exomes 0.00002; TOPMed 0.00005.
gnomAD v4.1: 13 of 1,613,768 alleles (0.00081%); highest among the groups gnomAD compares: African/African-American, 0.0027%; no homozygotes.

Submissions (4):

Ambry Genetics
Classification: Uncertain significance for Inborn genetic diseases. Last evaluated: 2025-05-20. Review status: criteria provided, single submitter. Criteria: Ambry Variant Classification Scheme 2023. Collection method: clinical testing. Allele origin: germline.

Labcorp Genetics (formerly Invitae), Labcorp
Classification: Uncertain significance. Last evaluated: 2024-11-11. Review status: criteria provided, single submitter. Criteria: Invitae Variant Classification Sherloc (09022015). Collection method: clinical testing. Allele origin: germline.
Comment: This sequence change replaces valine, which is neutral and non-polar, with methionine, which is neutral and non-polar, at codon 1195 of the MYO7A protein (p.Val1195Met). This variant is present in population databases (rs781958107, gnomAD 0.008%). This variant has not been reported in the literature in individuals affected with MYO7A-related conditions. ClinVar contains an entry for this variant (Variation ID: 505713). Invitae Evidence Modeling of protein sequence and biophysical properties (such as structural, functional, and spatial information, amino acid conservation, physicochemical variation, residue mobility, and thermodynamic stability) indicates that this missense variant is not expected to disrupt MYO7A protein function with a negative predictive value of 95%. In summary, the available evidence is currently insufficient to determine the role of this variant in disease. Therefore, it has been classified as a Variant of Uncertain Significance.

GeneDx
Classification: Uncertain significance. Last evaluated: 2023-07-26. Review status: criteria provided, single submitter. Criteria: GeneDx Variant Classification Process June 2021. Collection method: clinical testing. Allele origin: germline. Affected: yes.
Comment: In silico analysis supports that this missense variant does not alter protein structure/function; Has not been previously published as pathogenic or benign to our knowledge

Laboratory for Molecular Medicine, Mass General Brigham Personalized Medicine
Classification: Likely benign. Last evaluated: 2017-03-20. Review status: criteria provided, single submitter. Criteria: LMM Criteria. Collection method: clinical testing. Allele origin: germline. Observed: 1 variant allele.
Comment: p.Val1195Met in exon 28 of MYO7A: This variant is not expected to have clinical significance due to a lack of conservation across species, including mammals. Of note, 5 mammals (bushbaby, David's myotis (bat), microbat, big brown bat, and a ardvark) have a methionine (Met) at this position despite high nearby amino acid conservation. In addition, computational prediction tools do not suggest a high likelihood of impact to the protein. It has also been identified in 1/66454 Eur opean chromosomes by the Exome Aggregation Consortium (ExAC; dbSNP rs781958107).